The following is an entry in ClinVar:

NM_001130438.3(SPTAN1):c.706G>T (p.Ala236Ser)

Gene: SPTAN1 (spectrin alpha, non-erythrocytic 1; plus strand). Cytogenetic location: 9q34.11.
Variant type: single nucleotide variant.
Coding change: c.706G>T on transcript NM_001130438.3 (MANE Select); coding-DNA position 706, G replaced by T.
Protein change: p.Ala236Ser; replaces alanine 236 with serine.
Molecular consequence: missense variant.
Genome position (GRCh38, 1-based): chr9:128,576,877, G>T. VCF-style: chr9-128576877-G-T. GRCh37 (hg19) VCF-style: chr9-131339156-G-T.
Other names: c.706G>T, p.Ala236Ser (NM_001195532.2, NM_001363759.2, NM_001363765.2 and 5 more transcripts); c.742G>T, p.Ala248Ser (NM_001375312.2, NM_001375318.1); short protein forms A236S, A248S.
Identifiers: ClinVar variation 3635896 (VCV003635896.2).

ClinVar aggregate classification (germline): Uncertain significance (1 of 4 stars; one submission).

Conditions:
Early-infantile DEE. Also called: Early infantile epileptic encephalopathy; Ohtahara syndrome; Early infantile epileptic encephalopathy with suppression bursts. Identifiers: Orphanet 1934, MedGen C0393706, MONDO:0800491.

Submission:

Labcorp Genetics (formerly Invitae), Labcorp
Classification: Uncertain significance for Early-infantile DEE. Last evaluated: 2025-02-15. Review status: criteria provided, single submitter. Criteria: Invitae Variant Classification Sherloc (09022015). Collection method: clinical testing. Allele origin: germline.
Comment: This sequence change replaces alanine, which is neutral and non-polar, with serine, which is neutral and polar, at codon 236 of the SPTAN1 protein (p.Ala236Ser). This variant is not present in population databases (gnomAD no frequency). This variant has not been reported in the literature in individuals affected with SPTAN1-related conditions. Invitae Evidence Modeling of protein sequence and biophysical properties (such as structural, functional, and spatial information, amino acid conservation, physicochemical variation, residue mobility, and thermodynamic stability) has been performed for this missense variant. However, the output from this modeling did not meet the statistical confidence thresholds required to predict the impact of this variant on SPTAN1 protein function. In summary, the available evidence is currently insufficient to determine the role of this variant in disease. Therefore, it has been classified as a Variant of Uncertain Significance.